The following is an entry in ClinVar:

NM_000329.3(RPE65):c.725+2T>C

Gene: RPE65 (retinoid isomerohydrolase RPE65; minus strand). Cytogenetic location: 1p31.3.
Variant type: single nucleotide variant.
Coding change: c.725+2T>C on transcript NM_000329.3 (MANE Select); the canonical splice donor site of the intron after coding-DNA position 725, T replaced by C.
Molecular consequence: splice donor variant.
Genome position (GRCh38, 1-based): chr1:68,439,559, A>G on the plus strand (T>C on the coding strand, the complement: RPE65 is on the minus strand). VCF-style: chr1-68439559-A-G. GRCh37 (hg19) VCF-style: chr1-68905242-A-G.
Other names: c.449+2T>C (NM_001406857.1, NM_001406856.1); c.617+2T>C (NM_001406853.1); c.725+2T>C (NM_001406859.1).
Identifiers: ClinVar variation 1455641 (VCV001455641.6), dbSNP rs1355979496, ClinGen allele CA340745900.

ClinVar aggregate classification (germline): Pathogenic (1 of 4 stars; one submission).

Conditions:
Retinitis pigmentosa 20 (RP20). Identifiers: Orphanet 791, MedGen C3151086, MONDO:0013425, OMIM 613794.
Leber congenital amaurosis 2 (LCA2). Also called: Autosomal Recessive RPE65-Related Retinal Degeneration; AMAUROSIS CONGENITA OF LEBER II. Identifiers: Orphanet 65, MedGen C1859844, MONDO:0008765, OMIM 204100. Disease mechanism: loss of function.

Submission:

Labcorp Genetics (formerly Invitae), Labcorp
Classification: Pathogenic for Leber congenital amaurosis 2; Retinitis pigmentosa 20. Last evaluated: 2021-06-23. Review status: criteria provided, single submitter. Criteria: Invitae Variant Classification Sherloc (09022015). Collection method: clinical testing. Allele origin: germline.
Comment: This sequence change affects a donor splice site in intron 7 of the RPE65 gene. It is expected to disrupt RNA splicing. Variants that disrupt the donor or acceptor splice site typically lead to a loss of protein function (PMID: 16199547), and loss-of-function variants in RPE65 are known to be pathogenic (PMID: 9326941, 9501220, 9843205, 18632300). This variant is not present in population databases (ExAC no frequency). Disruption of this splice site has been observed in individuals with RPE65-related conditions (PMID: 30268864, 31960602). Algorithms developed to predict the effect of sequence changes on RNA splicing suggest that this variant may disrupt the consensus splice site. For these reasons, this variant has been classified as Pathogenic.

Literature cited by the submitters: PubMed 16199547; PubMed 9326941; PubMed 9501220; PubMed 9843205; PubMed 18632300; PubMed 30268864; PubMed 31960602.